The following is an entry in ClinVar:

ClinVar aggregate classification (germline): Pathogenic. Review status: criteria provided, single submitter (1 of 4 stars). 2 submissions from 2 submitters: Pathogenic (1). 1 of the submissions does not count toward it. Last evaluated 2023-10-27.

Conditions:
Primary hyperoxaluria, type I (HP1). Also called: GLYCOLIC ACIDURIA; HEPATIC AGT DEFICIENCY; OXALOSIS I; Primary hyperoxaluria type 1. Identifiers: Orphanet 416, Orphanet 93598, MedGen C0268164, MONDO:0009823, OMIM 259900. Disease mechanism: loss of function.

Submissions (2):

Thalassemia Center, San Luigi University Hospital
Classification: Pathogenic for Primary hyperoxaluria, type I. Last evaluated: 2023-10-27. Review status: criteria provided, single submitter. Criteria: ACMG Guidelines, 2015. Collection method: clinical testing. Allele origin: germline. Affected: yes.
Comment: ACMG:PVS1 PM1 PM2 PM4

Clinical Biochemistry Laboratory, Health Services Laboratory
Classification: Pathogenic for Primary hyperoxaluria, type I. Last evaluated: 2014-11-27. Review status: no assertion criteria provided. Collection method: research. Allele origin: germline. Affected: yes. Not counted in ClinVar's aggregate classification.

Literature cited by the submitters: PubMed 21488232 (cited by Clinical Biochemistry Laboratory, Health Services Laboratory).

NM_000030.3(AGXT):c.680+480_776+69delinsTGAGA

Gene: AGXT (alanine--glyoxylate aminotransferase; plus strand). Cytogenetic location: 2q37.3.
Variant type: Indel.
Coding change: c.680+480_776+69delinsTGAGA on transcript NM_000030.3 (MANE Select); 480 bases into the intron after coding-DNA position 680 through 69 bases into the intron after coding-DNA position 776, the reference bases replaced by TGAGA.
Molecular consequence: splice acceptor variant, splice donor variant.
Genome position (GRCh38, 1-based): chr2:240,874,542-240,875,273, 732 bases replaced. GRCh37 (hg19): chr2:241,813,959-241,814,690.
Other names: exon 7 del.
Identifiers: ClinVar variation 204196 (VCV000204196.3), dbSNP rs1553648931, ClinGen allele CA275848.